The following is an entry in ClinVar:

ClinVar aggregate classification (germline): Uncertain significance (1 of 4 stars; one submission).

Conditions:
Cardiovascular phenotype. Identifiers: MedGen CN230736.

Allele frequency attached by ClinVar (database versions not stated): gnomAD exomes below 0.00001.

Submission:

Ambry Genetics
Classification: Uncertain significance for Cardiovascular phenotype. Last evaluated: 2021-01-19. Review status: criteria provided, single submitter. Criteria: Ambry Variant Classification Scheme 2023. Collection method: clinical testing. Allele origin: germline.
Comment: The c.43+3A>G intronic variant results from an A to G substitution 3 nucleotides after coding exon 1 in the APOA1 gene. This nucleotide position is well conserved in available vertebrate species. In silico splice site analysis predicts that this alteration will not have any significant effect on splicing. Since supporting evidence is limited at this time, the clinical significance of this alteration remains unclear.

NM_000039.3(APOA1):c.43+3A>G

Genes: APOA1 (apolipoprotein A1; minus strand), APOA1-AS (APOA1 antisense RNA; plus strand). Cytogenetic location: 11q23.3.
Variant type: single nucleotide variant.
Coding change: c.43+3A>G on transcript NM_000039.3 (MANE Select); 3 bases into the intron after coding-DNA position 43, A replaced by G.
Molecular consequence: intron variant.
Genome position (GRCh38, 1-based): chr11:116,837,342, T>C on the plus strand (A>G on the coding strand, the complement: APOA1 is on the minus strand). VCF-style: chr11-116837342-T-C. GRCh37 (hg19) VCF-style: chr11-116708058-T-C.
Other names: c.-128+3A>G (NM_001425091.1); c.-241+3A>G (NM_001318021.2); c.-277+3A>G (NM_001425092.1); c.43+3A>G (NM_001425093.1, NM_001318018.2, NM_001318017.2 and 1 more transcripts).
Identifiers: ClinVar variation 1739552 (VCV001739552.2), dbSNP rs2540296560, ClinGen allele CA2580083481.